The following is an entry in ClinVar:

ClinVar aggregate classification (germline): Uncertain significance (1 of 4 stars; one submission).

gnomAD v4.1: 1 of 1,614,228 alleles (0.000062%); highest among the groups gnomAD compares: Non-Finnish European, 0.000085%; no homozygotes.

Submission:

Greenwood Genetic Center Diagnostic Laboratories, Greenwood Genetic Center
Classification: Uncertain significance. Last evaluated: 2026-04-01. Review status: criteria provided, single submitter. Criteria: ACMG Guidelines, 2015. Collection method: clinical testing. Allele origin: germline.
Comment: PM2, BP4, PP2

NM_006268.5(DPF2):c.394G>A (p.Gly132Ser)

Gene: DPF2 (double PHD fingers 2; plus strand). Cytogenetic location: 11q13.1.
Variant type: single nucleotide variant.
Coding change: c.394G>A on transcript NM_006268.5 (MANE Select); coding-DNA position 394, G replaced by A.
Protein change: p.Gly132Ser; replaces glycine 132 with serine.
Molecular consequence: missense variant.
Genome position (GRCh38, 1-based): chr11:65,341,491, G>A. VCF-style: chr11-65341491-G-A. GRCh37 (hg19) VCF-style: chr11-65108962-G-A.
Other names: c.394G>A, p.Gly132Ser (NM_001330308.2); short protein forms G132S.
Identifiers: ClinVar variation 4891045 (VCV004891045.1).